The following is an entry in ClinVar:

NM_000383.4(AIRE):c.1056_1069del (p.Glu353fs)

Gene: AIRE (autoimmune regulator; plus strand). Cytogenetic location: 21q22.3.
Variant type: Deletion.
Coding change: c.1056_1069del on transcript NM_000383.4 (MANE Select); coding-DNA positions 1056 to 1069, 14 bases deleted (AGAGGAGCCCCGGC).
Protein change: p.Glu353fs; shifts the reading frame from glutamic acid 353.
Molecular consequence: frameshift variant.
Genome position (GRCh38, 1-based): chr21:44,292,362-44,292,375, AGAGGAGCCCCGGC deleted; deleting any 14 consecutive bases within chr21:44,292,359-44,292,375 gives the same sequence; the c. name uses the placement nearest the transcript's 3' end. VCF-style (leftmost placement, unchanged base first): chr21-44292358-GGGCAGAGGAGCCCC-G. GRCh37 (hg19) VCF-style: chr21-45712241-GGGCAGAGGAGCCCC-G.
Other names: short protein forms E353fs.
Identifiers: ClinVar variation 5013475 (VCV005013475.1).
Genomic context (GRCh38, chr21:44,292,358, plus strand): 5'-GCAGTGGGACCTGGAGGTGCTCCAGCTGCCTGCAGGCAACAGTCCAGGAGGTGCAGCCCC[GGGCAGAGGAGCCCC>G]GGCCCCAGGAGCCACCCGTGGAGACCCCGGTATGGCCACGCCCCCTCCTAGCCGGGCCAC-3'

ClinVar aggregate classification (germline): Pathogenic (1 of 4 stars; one submission).

Conditions:
Polyglandular autoimmune syndrome, type 1 (APS1). Also called: Whitaker syndrome; Autoimmune polyendocrinopathy syndrome, type I; AUTOIMMUNE POLYENDOCRINE SYNDROME, TYPE I, WITH OR WITHOUT REVERSIBLE METAPHYSEAL DYSPLASIA; APS I; HYPOADRENOCORTICISM WITH HYPOPARATHYROIDISM AND SUPERFICIAL MONILIASIS; PGA I. Identifiers: Orphanet 3453, MedGen C0085859, MONDO:0009411, OMIM 240300.

Submission:

Myriad Genetics, Inc.
Classification: Pathogenic for Polyglandular autoimmune syndrome, type 1. Last evaluated: 2024-08-21. Review status: criteria provided, single submitter. Criteria: Myriad Autosomal Dominant, Autosomal Recessive and X-Linked Classification Criteria (2023). Collection method: clinical testing. Allele origin: unknown.
Comment: NM_000383.3(AIRE):c.1056_1069del14(E353Pfs*14) is expected to be pathogenic in the context of autoimmune polyglandular syndrome type 1. This variant is predicted to lead to an abnormal or absent protein product due to the creation of a premature termination codon in AIRE, a gene where loss-of-function variants are known to be pathogenic. Please note: this variant was assessed in the context of healthy population screening.